The following is an entry in ClinVar:

NM_015057.5(MYCBP2):c.12685C>T (p.Leu4229Phe)

Gene: MYCBP2 (MYC binding protein 2; minus strand). Cytogenetic location: 13q22.3.
Variant type: single nucleotide variant.
Coding change: c.12685C>T on transcript NM_015057.5 (MANE Select); coding-DNA position 12685, C replaced by T.
Protein change: p.Leu4229Phe; replaces leucine 4229 with phenylalanine.
Molecular consequence: missense variant.
Genome position (GRCh38, 1-based): chr13:77,062,685, G>A on the plus strand (C>T on the coding strand, the complement: MYCBP2 is on the minus strand). VCF-style: chr13-77062685-G-A. GRCh37 (hg19) VCF-style: chr13-77636820-G-A.
Other names: short protein forms L4229F.
Identifiers: ClinVar variation 4083242 (VCV004083242.1).
Genomic context (GRCh38, chr13:77,062,685, plus strand): 5'-TCCATCTCCCCGAGGAGAGACGATCTACGTGGTCCTGATCAAGAACACATAGGGATGCGA[G>A]AGCAAGCCAGAGCTGTTGAAAGGGAAGGCTGTTACACCACTGAATTTTTAGGAAAGACTT-3'
Protein context (NP_055872.4, residues 4219-4239): CIATTRLWLA[Leu4229Phe]ASLCVLDQDH

ClinVar aggregate classification (germline): Uncertain significance (1 of 4 stars; one submission).

Submission:

GeneDx
Classification: Uncertain significance. Last evaluated: 2025-03-10. Review status: criteria provided, single submitter. Criteria: GeneDx Variant Classification Process June 2021. Collection method: clinical testing. Allele origin: germline. Affected: yes.
Comment: Not observed at significant frequency in large population cohorts (gnomAD); In silico analysis supports that this missense variant has a deleterious effect on protein structure/function; Has not been previously published as pathogenic or benign to our knowledge